The following is an entry in ClinVar:

ClinVar aggregate classification (germline): Likely benign. Review status: criteria provided, single submitter (1 of 4 stars). 2 submissions from 2 submitters: Likely benign (1). 1 of the submissions does not count toward it. Last evaluated 2022-05-25.

Conditions:
NPHP3-related disorder. Also called: NPHP3-related disorders; NPHP3-related condition. Identifiers: MedGen CN379163.

Allele frequency attached by ClinVar (database versions not stated): gnomAD exomes below 0.00001; TOPMed below 0.00001; gnomAD 0.00001.
gnomAD v4.1: 4 of 1,613,762 alleles (0.00025%); highest among the groups gnomAD compares: Admixed American, 0.0033%; no homozygotes.

Submissions (2):

Blueprint Genetics
Classification: Likely benign. Last evaluated: 2022-05-25. Review status: criteria provided, single submitter. Criteria: ACMG Guidelines, 2015. Collection method: clinical testing. Allele origin: germline.

PreventionGenetics, part of Exact Sciences
Classification: Likely benign for NPHP3-related condition. Last evaluated: 2023-04-27. Review status: no assertion criteria provided. Collection method: clinical testing. Allele origin: germline. Not counted in ClinVar's aggregate classification.
Comment: This variant is classified as likely benign based on ACMG/AMP sequence variant interpretation guidelines (Richards et al. 2015 PMID: 25741868, with internal and published modifications).

NM_153240.5(NPHP3):c.2466A>G (p.Gln822=)

Genes: NPHP3 (nephrocystin 3; minus strand), NPHP3-ACAD11 (NPHP3-ACAD11 readthrough (NMD candidate); minus strand). Cytogenetic location: 3q22.1.
Variant type: single nucleotide variant.
Coding change: c.2466A>G on transcript NM_153240.5 (MANE Select); coding-DNA position 2466, A replaced by G.
Protein change: p.Gln822=; no amino-acid change (glutamine 822 retained).
Molecular consequence: synonymous variant. On other transcripts: non-coding transcript variant (1).
Genome position (GRCh38, 1-based): chr3:132,692,663, T>C on the plus strand (A>G on the coding strand, the complement: NPHP3 is on the minus strand). VCF-style: chr3-132692663-T-C. GRCh37 (hg19) VCF-style: chr3-132411507-T-C.
Identifiers: ClinVar variation 3045116 (VCV003045116.3), dbSNP rs956903200, ClinGen allele CA83587249.